The following is an entry in ClinVar:

ClinVar aggregate classification (germline): Likely pathogenic (1 of 4 stars; one submission).

Submission:

GeneDx
Classification: Likely pathogenic. Last evaluated: 2017-06-26. Review status: criteria provided, single submitter. Criteria: GeneDx Variant Classification (06012015). Collection method: clinical testing. Allele origin: germline. Affected: yes.
Comment: The de novo C1690Y variant in the RAI1 gene has not been reported previously as a pathogenic variant, nor as a benign variant, to our knowledge. The C1690Y variant is not observed in large population cohorts (Lek et al., 2016; 1000 Genomes Consortium et al., 2015; Exome Variant Server). The C1690Y variant is a non-conservative amino acid substitution, which is likely to impact secondary protein structure as these residues differ in polarity, charge, size and/or other properties. This substitution occurs at a position that is conserved across species, and in silico analysis predicts this variant is probably damaging to the protein structure/function. We interpret C1690Y as a likely pathogenic variant.

NM_030665.4(RAI1):c.5069G>A (p.Cys1690Tyr)

Gene: RAI1 (retinoic acid induced 1; plus strand). Cytogenetic location: 17p11.2.
Variant type: single nucleotide variant.
Coding change: c.5069G>A on transcript NM_030665.4 (MANE Select); coding-DNA position 5069, G replaced by A.
Protein change: p.Cys1690Tyr; replaces cysteine 1690 with tyrosine.
Molecular consequence: missense variant.
Genome position (GRCh38, 1-based): chr17:17,798,017, G>A. VCF-style: chr17-17798017-G-A. GRCh37 (hg19) VCF-style: chr17-17701331-G-A.
Other names: short protein forms C1690Y.
Identifiers: ClinVar variation 450017 (VCV000450017.2), dbSNP rs1555566164, ClinGen allele CA398558256.